The following is an entry in ClinVar:

NM_000237.3(LPL):c.1019-4A>G

Gene: LPL (lipoprotein lipase; plus strand). Cytogenetic location: 8p21.3.
Variant type: single nucleotide variant.
Coding change: c.1019-4A>G on transcript NM_000237.3 (MANE Select); 4 bases into the intron before coding-DNA position 1019, A replaced by G.
Molecular consequence: intron variant.
Genome position (GRCh38, 1-based): chr8:19,959,256, A>G. VCF-style: chr8-19959256-A-G. GRCh37 (hg19) VCF-style: chr8-19816767-A-G.
Identifiers: ClinVar variation 4995859 (VCV004995859.1).

ClinVar aggregate classification (germline): Uncertain significance (1 of 4 stars; one submission).

Conditions:
LPL-related disorder. Also called: LPL-related condition.

gnomAD v4.1: 5 of 1,614,126 alleles (0.00031%); highest among the groups gnomAD compares: East Asian, 0.0067%; no homozygotes.

Submission:

PreventionGenetics, part of Exact Sciences
Classification: Uncertain significance for LPL-related condition. Last evaluated: 2025-09-24. Review status: criteria provided, single submitter. Criteria: ACMG Guidelines, 2015. Collection method: clinical testing. Allele origin: germline.
Comment: The LPL c.1019-4A>G variant is predicted to interfere with splicing. This variant is predicted to alter splicing based on available splicing prediction programs (SpliceAI, Jaganathan et al. 2019. PubMed ID: 30661751). However, such computer prediction programs are imperfect. To our knowledge, this variant has not been reported in the literature. This variant is reported in 0.00088% of alleles in individuals of European (Non-Finnish) descent in gnomAD. At this time, the clinical significance of this variant is uncertain due to the absence of conclusive functional and genetic evidence.